The following is an entry in ClinVar:

ClinVar aggregate classification (germline): Likely benign (1 of 4 stars; one submission).

Allele frequency attached by ClinVar (database versions not stated): TOPMed 0.00008; ExAC 0.00011; gnomAD 0.00012; gnomAD exomes 0.00014.
gnomAD v4.1: 222 of 1,614,102 alleles (0.014%); highest among the groups gnomAD compares: Non-Finnish European, 0.017%; no homozygotes.

Submission:

CeGaT Center for Human Genetics Tuebingen
Classification: Likely benign. Last evaluated: 2026-08-01. Review status: criteria provided, single submitter. Criteria: CeGaT Center For Human Genetics Tuebingen Variant Classification Criteria Version 2. Collection method: clinical testing. Allele origin: germline. Affected: yes. Observed: 6 variant alleles.
Comment: SYT1: BP4, BP7

NM_005639.3(SYT1):c.1155C>T (p.Gly385=)

Gene: SYT1 (synaptotagmin 1; plus strand). Cytogenetic location: 12q21.2.
Variant type: single nucleotide variant.
Coding change: c.1155C>T on transcript NM_005639.3 (MANE Select); coding-DNA position 1155, C replaced by T.
Protein change: p.Gly385=; no amino-acid change (glycine 385 retained).
Molecular consequence: synonymous variant.
Genome position (GRCh38, 1-based): chr12:79,449,010, C>T. VCF-style: chr12-79449010-C-T. GRCh37 (hg19) VCF-style: chr12-79842790-C-T.
Other names: c.1155C>T, p.Gly385= (NM_001135805.2, NM_001135806.2, NM_001415938.1 and 2 more transcripts); c.1146C>T, p.Gly382= (NM_001291901.2, NM_001415941.1, NM_001415942.1 and 1 more transcripts).
Identifiers: ClinVar variation 3025250 (VCV003025250.22), dbSNP rs572536317, ClinGen allele CA6698986.